The following is an entry in ClinVar:

ClinVar aggregate classification (germline): Conflicting classifications of pathogenicity. Review status: criteria provided, conflicting classifications (1 of 4 stars). 7 submissions from 2 submitters: Uncertain significance (1); Benign (5); Likely benign (1). Last evaluated 2022-12-01.

Conditions:
Anophthalmia-microphthalmia syndrome. Also called: Anophthalmia/Microphthalmia; Anophthalmia - microphthalmia. Identifiers: Orphanet 98555, MedGen C5680330, MONDO:0020147.
11p partial monosomy syndrome (WAGR). Also called: WAGR Spectrum Disorder; WAGR syndrome; WAGR Complex; CHROMOSOME 11p13 DELETION SYNDROME. Identifiers: Orphanet 893, MedGen C0206115, MONDO:0008681, OMIM 194072.
Foveal hypoplasia 1. Also called: FOVEAL HYPOPLASIA 1 WITH OR WITHOUT ANTERIOR SEGMENT ANOMALIES AND/OR CATARACT; FOVEAL HYPOPLASIA 1 WITH ANTERIOR SEGMENT ANOMALIES. Identifiers: Orphanet 2253, MedGen C3805604, MONDO:0007628, OMIM 136520.
Autosomal dominant keratitis. Also called: Keratitis, hereditary. Identifiers: Orphanet 2334, MedGen C1835698, MONDO:0007848, OMIM 148190.
Aniridia 1 (AN1). Identifiers: Orphanet 250923, MedGen C0344542, MONDO:0024507, OMIM 106210.
carboxymethyl-dextran-A2-gadolinium-DOTA.

Allele frequency attached by ClinVar (database versions not stated): gnomAD 0.00189 and 0.00200; TOPMed 0.00180; 1000 Genomes Project 30x 0.00187; 1000 Genomes Project 0.00240; gnomAD exomes 0.00175.
gnomAD v4.1: 444 of 233,268 alleles (0.19%); highest among the groups gnomAD compares: Admixed American, 0.38%; no homozygotes.

Submissions (7):

CeGaT Center for Human Genetics Tuebingen
Classification: Likely benign. Last evaluated: 2022-12-01. Review status: criteria provided, single submitter. Criteria: CeGaT Center For Human Genetics Tuebingen Variant Classification Criteria Version 2. Collection method: clinical testing. Allele origin: germline. Affected: yes. Observed: 2 variant alleles.
Comment: PAX6: BS1

Illumina Laboratory Services, Illumina
Classification: Benign for Autosomal dominant keratitis. Last evaluated: 2018-01-13. Review status: criteria provided, single submitter. Criteria: ICSL Variant Classification Criteria 13 December 2019. Collection method: clinical testing. Allele origin: germline.
Comment: This variant was observed in the ICSL laboratory as part of a predisposition screen in an ostensibly healthy population. It had not been previously curated by ICSL or reported in the Human Gene Mutation Database (HGMD: prior to June 1st, 2018), and was therefore a candidate for classification through an automated scoring system. Utilizing variant allele frequency, disease prevalence and penetrance estimates, and inheritance mode, an automated score was calculated to assess if this variant is too frequent to cause the disease. Based on the score and internal cut-off values, a variant classified as benign is not then subjected to further curation. The score for this variant resulted in a classification of benign for this disease.

Illumina Laboratory Services, Illumina
Classification: Benign for Wilms tumor, aniridia, genitourinary anomalies, and mental retardation syndrome. Last evaluated: 2018-01-13. Review status: criteria provided, single submitter. Criteria: ICSL Variant Classification Criteria 13 December 2019. Collection method: clinical testing. Allele origin: germline.
Comment: the same text as in the submission from Illumina Laboratory Services, Illumina above.

Illumina Laboratory Services, Illumina
Classification: Benign for Foveal hypoplasia 1. Last evaluated: 2018-01-13. Review status: criteria provided, single submitter. Criteria: ICSL Variant Classification Criteria 13 December 2019. Collection method: clinical testing. Allele origin: germline.
Comment: the same text as in the submission from Illumina Laboratory Services, Illumina above.

Illumina Laboratory Services, Illumina
Classification: Benign for Aniridia 1. Last evaluated: 2018-01-13. Review status: criteria provided, single submitter. Criteria: ICSL Variant Classification Criteria 13 December 2019. Collection method: clinical testing. Allele origin: germline.
Comment: the same text as in the submission from Illumina Laboratory Services, Illumina above.

Illumina Laboratory Services, Illumina
Classification: Uncertain significance for Anophthalmia-microphthalmia syndrome. Last evaluated: 2018-01-13. Review status: criteria provided, single submitter. Criteria: ICSL Variant Classification Criteria 13 December 2019. Collection method: clinical testing. Allele origin: germline.

Illumina Laboratory Services, Illumina
Classification: Benign for carboxymethyl-dextran-A2-gadolinium-DOTA. Last evaluated: 2018-01-13. Review status: criteria provided, single submitter. Criteria: ICSL Variant Classification Criteria 13 December 2019. Collection method: clinical testing. Allele origin: germline.
Comment: the same text as in the submission from Illumina Laboratory Services, Illumina above.

NM_000280.4(PAX6):c.*2506C>T

Genes: ELP4 (elongator acetyltransferase complex subunit 4; plus strand), PAX6 (paired box 6; minus strand). Cytogenetic location: 11p13.
Variant type: single nucleotide variant.
Coding change: c.*2506C>T on transcript NM_000280.4; 2506 bases downstream of the stop codon, C replaced by T.
Molecular consequence: 3 prime UTR variant (on NM_019040.5).
Genome position (GRCh38, 1-based): chr11:31,787,428, G>A on the plus strand (C>T on the coding strand, the complement: PAX6 is on the minus strand). VCF-style: chr11-31787428-G-A. GRCh37 (hg19) VCF-style: chr11-31808976-G-A.
Other names: c.*3890G>A (NM_001288725.2); c.*3999G>A (NM_001288726.2); c.*3904G>A (NM_019040.5).
Identifiers: ClinVar variation 304324 (VCV000304324.30), dbSNP rs3026397, ClinGen allele CA10638294.